The following is an entry in ClinVar:

ClinVar aggregate classification (germline): Conflicting classifications of pathogenicity. Review status: criteria provided, conflicting classifications (1 of 4 stars). 4 submissions from 4 submitters: Uncertain significance (3); Likely benign (1). Last evaluated 2024-10-15.

Conditions:
Hereditary cancer-predisposing syndrome. Also called: Hereditary neoplastic syndrome; Tumor predisposition; Hereditary Cancer Syndrome; Neoplastic Syndromes, Hereditary. Identifiers: Orphanet 140162, MedGen C0027672, MeSH D009386, MONDO:0015356.
Hereditary breast ovarian cancer syndrome. Also called: Hereditary breast and ovarian cancer syndrome (HBOC); Hereditary breast and ovarian cancer; Hereditary breast and/or ovarian cancer syndrome; BRCA1- and BRCA2-Associated Hereditary Breast and Ovarian Cancer; Hereditary breast and ovarian cancer syndrome; Breast and ovarian cancer. Identifiers: Orphanet 145, MedGen C0677776, MeSH D061325, MONDO:0003582. Disease mechanism: loss of function.

Submissions (4):

Ambry Genetics
Classification: Uncertain significance for Hereditary cancer-predisposing syndrome. Last evaluated: 2024-10-15. Review status: criteria provided, single submitter. Criteria: Ambry Variant Classification Scheme 2023. Collection method: clinical testing. Allele origin: germline.
Comment: The p.N2259K variant (also known as c.6777T>A), located in coding exon 10 of the BRCA2 gene, results from a T to A substitution at nucleotide position 6777. The asparagine at codon 2259 is replaced by lysine, an amino acid with similar properties. This amino acid position is conserved. In addition, this alteration is predicted to be tolerated by in silico analysis. Based on the available evidence, the clinical significance of this variant remains unclear.

University of Washington Department of Laboratory Medicine, University of Washington
Classification: Likely benign for Hereditary cancer-predisposing syndrome. Last evaluated: 2023-03-23. Review status: criteria provided, single submitter. Criteria: Dines et al. (Genet Med. 2020). Collection method: curation. Allele origin: germline.
Comment: Missense variant in a coldspot region where missense variants are very unlikely to be pathogenic (PMID:31911673).

BRCA2 exon 11 coldspot. Reclassification based on statistical prior probability.

Quest Diagnostics Nichols Institute San Juan Capistrano
Classification: Uncertain significance. Last evaluated: 2023-01-11. Review status: criteria provided, single submitter. Criteria: Quest Diagnostics criteria. Collection method: clinical testing. Allele origin: unknown.
Comment: This variant has not been reported in the published literature. It also has not been reported in large, multi-ethnic general populations. Analysis of this variant using bioinformatics tools for the prediction of the effect of amino acid changes on protein structure and function yielded predictions that this variant is benign. Based on the available information, we are unable to determine the clinical significance of this variant.

Labcorp Genetics (formerly Invitae), Labcorp
Classification: Uncertain significance for Hereditary breast ovarian cancer syndrome. Last evaluated: 2022-06-09. Review status: criteria provided, single submitter. Criteria: Invitae Variant Classification Sherloc (09022015). Collection method: clinical testing. Allele origin: germline.
Comment: In summary, the available evidence is currently insufficient to determine the role of this variant in disease. Therefore, it has been classified as a Variant of Uncertain Significance. Advanced modeling of protein sequence and biophysical properties (such as structural, functional, and spatial information, amino acid conservation, physicochemical variation, residue mobility, and thermodynamic stability) performed at Invitae indicates that this missense variant is not expected to disrupt BRCA2 protein function. This variant has not been reported in the literature in individuals affected with BRCA2-related conditions. This variant is not present in population databases (gnomAD no frequency). This sequence change replaces asparagine, which is neutral and polar, with lysine, which is basic and polar, at codon 2259 of the BRCA2 protein (p.Asn2259Lys).

NM_000059.4(BRCA2):c.6777T>A (p.Asn2259Lys)

Gene: BRCA2 (BRCA2 DNA repair associated; plus strand). Cytogenetic location: 13q13.1.
Variant type: single nucleotide variant.
Coding change: c.6777T>A on transcript NM_000059.4 (MANE Select); coding-DNA position 6777, T replaced by A.
Protein change: p.Asn2259Lys; replaces asparagine 2259 with lysine.
Molecular consequence: missense variant.
Genome position (GRCh38, 1-based): chr13:32,341,132, T>A. VCF-style: chr13-32341132-T-A. GRCh37 (hg19) VCF-style: chr13-32915269-T-A.
Other names: c.6777T>A, p.Asn2259Lys (NM_001406719.1, NM_001406720.1); short protein forms N2259K.
Identifiers: ClinVar variation 1954446 (VCV001954446.9), dbSNP rs2072565139, ClinGen allele CA387791248.